The following is an entry in ClinVar:

ClinVar aggregate classification (germline): Uncertain significance (1 of 4 stars; one submission).

Allele frequency attached by ClinVar (database versions not stated): gnomAD exomes below 0.00001 and 0.00001; ExAC 0.00003.
gnomAD v4.1: 3 of 1,609,318 alleles (0.00019%); highest among the groups gnomAD compares: East Asian, 0.0067%; no homozygotes.

Submission:

GeneDx
Classification: Uncertain significance. Last evaluated: 2019-10-18. Review status: criteria provided, single submitter. Criteria: GeneDx Variant Classification Process June 2021. Collection method: clinical testing. Allele origin: germline. Affected: yes.
Comment: In silico analysis, which includes protein predictors and evolutionary conservation, supports that this variant does not alter protein structure/function; Has not been previously published as pathogenic or benign to our knowledge

NM_006939.4(SOS2):c.997G>A (p.Val333Ile)

Gene: SOS2 (SOS Ras/Rho guanine nucleotide exchange factor 2; minus strand). Cytogenetic location: 14q21.3.
Variant type: single nucleotide variant.
Coding change: c.997G>A on transcript NM_006939.4 (MANE Select); coding-DNA position 997, G replaced by A.
Protein change: p.Val333Ile; replaces valine 333 with isoleucine.
Molecular consequence: missense variant.
Genome position (GRCh38, 1-based): chr14:50,174,525, C>T on the plus strand (G>A on the coding strand, the complement: SOS2 is on the minus strand). VCF-style: chr14-50174525-C-T. GRCh37 (hg19) VCF-style: chr14-50641243-C-T.
Other names: short protein forms V333I.
Identifiers: ClinVar variation 1309528 (VCV001309528.2), dbSNP rs778569253, ClinGen allele CA7177369.